The following is an entry in ClinVar:

NM_152701.5(ABCA13):c.6495T>A (p.Ile2165=)

Gene: ABCA13 (ATP binding cassette subfamily A member 13; plus strand). Cytogenetic location: 7p12.3.
Variant type: single nucleotide variant.
Coding change: c.6495T>A on transcript NM_152701.5 (MANE Select); coding-DNA position 6495, T replaced by A.
Protein change: p.Ile2165=; no amino-acid change (isoleucine 2165 retained).
Molecular consequence: synonymous variant.
Genome position (GRCh38, 1-based): chr7:48,276,161, T>A. VCF-style: chr7-48276161-T-A. GRCh37 (hg19) VCF-style: chr7-48315758-T-A.
Identifiers: ClinVar variation 4875441 (VCV004875441.2).

ClinVar aggregate classification (germline): Likely benign (1 of 4 stars; one submission).

Submission:

CeGaT Center for Human Genetics Tuebingen
Classification: Likely benign. Last evaluated: 2026-06-01. Review status: criteria provided, single submitter. Criteria: CeGaT Center For Human Genetics Tuebingen Variant Classification Criteria Version 2. Collection method: clinical testing. Allele origin: germline. Affected: yes. Observed: 1 variant allele.
Comment: ABCA13: PM2:Supporting, BP4, BP7